The following is an entry in ClinVar:

ClinVar aggregate classification (germline): Uncertain significance (1 of 4 stars; one submission).

Conditions:
Hereditary breast ovarian cancer syndrome. Also called: Hereditary breast and ovarian cancer syndrome (HBOC); Breast and ovarian cancer; BRCA1- and BRCA2-Associated Hereditary Breast and Ovarian Cancer; Hereditary breast and ovarian cancer syndrome; Hereditary breast and ovarian cancer; Hereditary breast and/or ovarian cancer syndrome. Identifiers: Orphanet 145, MedGen C0677776, MeSH D061325, MONDO:0003582. Disease mechanism: loss of function.

Submission:

Labcorp Genetics (formerly Invitae), Labcorp
Classification: Uncertain significance for Hereditary breast ovarian cancer syndrome. Last evaluated: 2023-03-03. Review status: criteria provided, single submitter. Criteria: Invitae Variant Classification Sherloc (09022015). Collection method: clinical testing. Allele origin: germline.
Comment: In summary, the available evidence is currently insufficient to determine the role of this variant in disease. Therefore, it has been classified as a Variant of Uncertain Significance. Advanced modeling of protein sequence and biophysical properties (such as structural, functional, and spatial information, amino acid conservation, physicochemical variation, residue mobility, and thermodynamic stability) performed at Invitae indicates that this missense variant is not expected to disrupt BRCA1 protein function. This variant has not been reported in the literature in individuals affected with BRCA1-related conditions. This variant is not present in population databases (gnomAD no frequency). This sequence change replaces lysine, which is basic and polar, with glutamine, which is neutral and polar, at codon 1406 of the BRCA1 protein (p.Lys1406Gln).

NM_007294.4(BRCA1):c.4216A>C (p.Lys1406Gln)

Gene: BRCA1 (BRCA1 DNA repair associated; minus strand). Cytogenetic location: 17q21.31.
Variant type: single nucleotide variant.
Coding change: c.4216A>C on transcript NM_007294.4 (MANE Select); coding-DNA position 4216, A replaced by C.
Protein change: p.Lys1406Gln; replaces lysine 1406 with glutamine.
Molecular consequence: missense variant.
Genome position (GRCh38, 1-based): chr17:43,082,545, T>G on the plus strand (A>C on the coding strand, the complement: BRCA1 is on the minus strand). VCF-style: chr17-43082545-T-G. GRCh37 (hg19) VCF-style: chr17-41234562-T-G.
Other names: c.766A>C, p.Lys256Gln (NM_001408457.1, NM_001408458.1, NM_001408459.1 and 8 more transcripts); c.4216A>C, p.Lys1406Gln (NM_001407858.1, NM_001407859.1, NM_007300.4 and 23 more transcripts); c.4213A>C, p.Lys1405Gln (NM_001407861.1, NM_001407860.1, NM_001407587.1 and 21 more transcripts); c.763A>C, p.Lys255Gln (NM_001408463.1, NM_001408464.1, NM_001408465.1 and 5 more transcripts); c.4015A>C, p.Lys1339Gln (NM_001407862.1); c.4093A>C, p.Lys1365Gln (NM_001407863.1, NM_001407937.1, NM_001407938.1 and 13 more transcripts); c.3952A>C, p.Lys1318Gln (NM_001407927.1, NM_001407928.1, NM_001407929.1 and 7 more transcripts); c.3949A>C, p.Lys1317Gln (NM_001407930.1, NM_001407931.1, NM_001407932.1 and 3 more transcripts); and 51 more; short protein forms K1318Q, K1335Q, K1357Q, K1358Q, K1379Q, K1380Q, K1402Q, K193Q.
Identifiers: ClinVar variation 2842713 (VCV002842713.3), dbSNP rs886040216, ClinGen allele CA10593290.